The following is an entry in ClinVar:

ClinVar aggregate classification (germline): Likely benign (0 of 4 stars; one submission).

Conditions:
CFAP410-related disorder. Also called: CFAP410-related condition.

Allele frequency attached by ClinVar (database versions not stated): TOPMed below 0.00001; gnomAD 0.00001; gnomAD exomes 0.00001.

Submission:

PreventionGenetics, part of Exact Sciences
Classification: Likely benign for CFAP410-related condition. Last evaluated: 2023-12-14. Review status: no assertion criteria provided. Collection method: clinical testing. Allele origin: germline.
Comment: This variant is classified as likely benign based on ACMG/AMP sequence variant interpretation guidelines (Richards et al. 2015 PMID: 25741868, with internal and published modifications).

NM_004928.3(CFAP410):c.171T>C (p.Pro57=)

Gene: CFAP410 (cilia and flagella associated protein 410; minus strand). Cytogenetic location: 21q22.3.
Variant type: single nucleotide variant.
Coding change: c.171T>C on transcript NM_004928.3 (MANE Select); coding-DNA position 171, T replaced by C.
Protein change: p.Pro57=; no amino-acid change (proline 57 retained).
Molecular consequence: synonymous variant.
Genome position (GRCh38, 1-based): chr21:44,333,235, A>G on the plus strand (T>C on the coding strand, the complement: CFAP410 is on the minus strand). VCF-style: chr21-44333235-A-G. GRCh37 (hg19) VCF-style: chr21-45753118-A-G.
Other names: c.171T>C, p.Pro57= (NM_001271440.2, NM_001271441.2); c.48T>C, p.Pro16= (NM_001271442.1).
Identifiers: ClinVar variation 3055239 (VCV003055239.2), dbSNP rs2047686605, ClinGen allele CA512671109.